The following is an entry in ClinVar:

ClinVar aggregate classification (germline): Pathogenic/Likely pathogenic. Review status: criteria provided, multiple submitters, no conflicts (2 of 4 stars). 15 submissions from 15 submitters: Pathogenic (13); Likely pathogenic (1). 1 of the submissions does not count toward it. Last evaluated 2026-08-10.

Conditions:
HAX1-related disorder. Also called: HAX1-related condition.
HAX1-related disorders.
Severe congenital neutropenia (SCN). Identifiers: Orphanet 42738, MedGen C1853118, MONDO:0018542.
Kostmann syndrome (SCN3). Also called: Autosomal recessive severe congenital neutropenia type 3; KOSTMANN DISEASE. Identifiers: Orphanet 99749, MedGen C5235141, MONDO:0012548, OMIM 610738.

Allele frequency attached by ClinVar (database versions not stated): ExAC 0.00012; gnomAD exomes 0.00019 and 0.00051; TOPMed 0.00022; gnomAD 0.00026.

Submissions (15):

PreventionGenetics, part of Exact Sciences
Classification: Pathogenic for HAX1-related condition. Last evaluated: 2026-08-10. Review status: criteria provided, single submitter. Criteria: ACMG Guidelines, 2015. Collection method: clinical testing. Allele origin: germline.
Comment: The HAX1 c.91delG variant is predicted to result in a frameshift and premature protein termination (p.Glu31Lysfs*54). This variant has been reported to be causative for autosomal recessive severe congenital neutropenia (Smith et al. 2009. PubMed ID: 19036076; Carlsson et al. 2009. PubMed ID: 19499579). This variant is reported in 0.037% of alleles in individuals of European (Non-Finnish) descent in gnomAD. Frameshift variants in HAX1 are expected to be pathogenic. This variant is interpreted as pathogenic.

Labcorp Genetics (formerly Invitae), Labcorp
Classification: Pathogenic for Kostmann syndrome. Last evaluated: 2026-01-14. Review status: criteria provided, single submitter. Criteria: Invitae Variant Classification Sherloc (09022015). Collection method: clinical testing. Allele origin: germline.
Comment: This sequence change creates a premature translational stop signal (p.Glu31Lysfs*54) in the HAX1 gene. It is expected to result in an absent or disrupted protein product. Loss-of-function variants in HAX1 are known to be pathogenic (PMID: 17187068). This variant is present in population databases (rs764082747, gnomAD 0.04%). This premature translational stop signal has been observed in individual(s) with severe congenital neutropenia (PMID: 19036076, 19499579). ClinVar contains an entry for this variant (Variation ID: 419887). Algorithms developed to predict the effect of sequence changes on RNA splicing suggest that this variant may disrupt the consensus splice site. For these reasons, this variant has been classified as Pathogenic.

Natera, Inc.
Classification: Pathogenic for Autosomal recessive severe congenital neutropenia type 3. Last evaluated: 2025-09-30. Review status: criteria provided, single submitter. Criteria: Natera Variant Classification Schema (03/2026). Collection method: clinical testing. Allele origin: germline.
Comment: The c.91delG variant in HAX1 is a frameshift variant predicted to shift the reading frame beginning at codon 31 and leads to a stop codon 54 codons downstream. This variant is expected to result in nonsense mediated decay, truncation, or a dysfunctional protein product. This variant is rare in the general population with a frequency below the threshold expected for the associated phenotype(s). This variant has been observed in one or more individuals affected with the associated recessive disease, as either homozygous or compound heterozygous with a second variant (PMID: 37193639, 22624626). Additionally, this variant has been observed to segregate in affected family members (PMID: 37193639). Given the available evidence, this variant is classified as Pathogenic.

GeneDx
Classification: Pathogenic. Last evaluated: 2025-07-22. Review status: criteria provided, single submitter. Criteria: GeneDx Variant Classification Process June 2021. Collection method: clinical testing. Allele origin: germline. Affected: yes.
Comment: Frameshift variant predicted to result in protein truncation or nonsense mediated decay in a gene for which loss of function is a known mechanism of disease; This variant is associated with the following publications: (PMID: 19036076, 34426522, 31589614, 37193639, 32054657, 19499579, 37556141)

Blueprint Genetics
Classification: Pathogenic for HAX1-related disorders. Last evaluated: 2024-11-13. Review status: criteria provided, single submitter. Criteria: ACMG Guidelines, 2015. Collection method: clinical testing. Allele origin: germline. Affected: yes. Observed: 5 variant alleles.

Victorian Clinical Genetics Services, Murdoch Childrens Research Institute
Classification: Pathogenic for Kostmann syndrome. Last evaluated: 2024-09-20. Review status: criteria provided, single submitter. Criteria: ACMG Guidelines, 2015. Collection method: clinical testing. Allele origin: germline. Inheritance: Autosomal recessive inheritance. Affected: yes.
Comment: Based on the classification scheme VCGS_Germline_v1.3.4, this variant is classified as Pathogenic. Following criteria are met: 0102 - Loss of function is a known mechanism of disease in this gene and is associated with severe congenital neutropenia 3 (MIM#610738). (I) 0106 - This gene is associated with autosomal recessive disease. (I) 0201 - Variant is predicted to cause nonsense-mediated decay (NMD) and loss of protein (premature termination codon is located at least 54 nucleotides upstream of the final exon-exon junction). (SP) 0251 - This variant is heterozygous. (I) 0304 - Variant is present in gnomAD <0.01 for a recessive condition (v2: 58 heterozygotes, 0 homozygotes). (SP) 0701 - Other NMD-predicted variants comparable to the one identified in this case have very strong previous evidence for pathogenicity (DECIPHER). (SP) 0801 - This variant has strong previous evidence of pathogenicity in unrelated individuals. It has been reported in individuals with neutropenia and classified as pathogenic in ClinVar (PMID: 37193639). (SP) 1208 - Inheritance information for this variant is not currently available in this individual. (I) Legend: (SP) - Supporting pathogenic, (I) - Information, (SB) - Supporting benign

Mayo Clinic Laboratories, Mayo Clinic
Classification: Pathogenic. Last evaluated: 2024-05-30. Review status: criteria provided, single submitter. Criteria: ACMG Guidelines, 2015. Collection method: clinical testing. Allele origin: germline. Observed: 1 variant allele.
Comment: PM3_strong, PVS1

Fulgent Genetics
Classification: Pathogenic for Kostmann syndrome. Last evaluated: 2024-05-03. Review status: criteria provided, single submitter. Criteria: ACMG Guidelines, 2015. Collection method: clinical testing. Allele origin: germline.

Revvity Omics, Revvity
Classification: Pathogenic for Kostmann syndrome. Last evaluated: 2023-10-19. Review status: criteria provided, single submitter. Criteria: ACMG Guidelines, 2015. Collection method: clinical testing. Allele origin: germline.

Women's Health and Genetics/Laboratory Corporation of America, LabCorp
Classification: Pathogenic for Severe congenital neutropenia. Last evaluated: 2023-02-20. Review status: criteria provided, single submitter. Criteria: LabCorp Variant Classification Summary - May 2015. Collection method: clinical testing. Allele origin: germline.
Comment: Variant summary: HAX1 c.91delG (p.Glu31LysfsX54) results in a premature termination codon, predicted to cause a truncation of the encoded protein or absence of the protein due to nonsense mediated decay, which are commonly known mechanisms for disease. Truncations downstream of this position have been classified as pathogenic by our laboratory. The variant allele was found at a frequency of 0.00019 in 251294 control chromosomes. This frequency is not higher than estimated for a pathogenic variant in HAX1 causing Severe Congenital Neutropenia (0.00019 vs 0.00079), allowing no conclusion about variant significance. c.91delG has been reported in the literature in individuals affected with Severe Congenital Neutropenia (e.g. Smith_2009, Carlsson_2012). These data indicate that the variant is likely to be associated with disease. Seven clinical diagnostic laboratories have submitted clinical-significance assessments for this variant to ClinVar after 2014 and classified the variant as pathogenic. Based on the evidence outlined above, the variant was classified as pathogenic.

Clinical Genetics Laboratory, Skane University Hospital Lund
Classification: Pathogenic. Last evaluated: 2022-05-27. Review status: criteria provided, single submitter. Criteria: ACMG Guidelines, 2015. Collection method: clinical testing. Allele origin: germline. Affected: yes.

AiLife Diagnostics
Classification: Pathogenic. Last evaluated: 2022-03-18. Review status: criteria provided, single submitter. Criteria: ACMG Guidelines, 2015. Collection method: clinical testing. Allele origin: germline. Affected: yes. Observed: 1 variant allele.

Genetic Services Laboratory, University of Chicago
Classification: Pathogenic. Last evaluated: 2022-01-25. Review status: criteria provided, single submitter. Criteria: ACMG Guidelines, 2015. Collection method: clinical testing. Allele origin: germline.

Clinical Genetics and Genomics, Karolinska University Hospital
Classification: Likely pathogenic. Last evaluated: 2014-12-18. Review status: criteria provided, single submitter. Criteria: ACMG Guidelines, 2015. Collection method: clinical testing. Allele origin: germline. Affected: yes. Observed: 3 variant alleles.

OMIM
Classification: Pathogenic for NEUTROPENIA, SEVERE CONGENITAL, 3, AUTOSOMAL RECESSIVE. Last evaluated: 2009-03-01. Review status: no assertion criteria provided. Collection method: literature only. Allele origin: germline. Not counted in ClinVar's aggregate classification.

Literature cited by the submitters: PubMed 17187068 (cited by Labcorp Genetics (formerly Invitae), Labcorp); PubMed 19036076 (cited by 5 submitters); PubMed 19499579 (cited by 3 submitters); PubMed 37193639 (cited by 3 submitters); PubMed 22624626 (cited by Natera, Inc. and Women's Health and Genetics/Laboratory Corporation of America, LabCorp); PubMed 32054657 (cited by Mayo Clinic Laboratories, Mayo Clinic and AiLife Diagnostics); PubMed 31589614 (cited by AiLife Diagnostics); PubMed 34426522 (cited by AiLife Diagnostics).

NM_006118.4(HAX1):c.91del (p.Glu31fs)

Gene: HAX1 (HCLS1 associated protein X-1; plus strand). Cytogenetic location: 1q21.3.
Variant type: Deletion.
Coding change: c.91del on transcript NM_006118.4 (MANE Select); coding-DNA position 91, one base deleted (G; older notation c.91delG).
Protein change: p.Glu31fs; shifts the reading frame from glutamic acid 31.
Molecular consequence: frameshift variant. On other transcripts: intron variant (1).
Genome position (GRCh38, 1-based): chr1:154,273,373, G deleted. VCF-style (leftmost placement, unchanged base first): chr1-154273372-TG-T. GRCh37 (hg19) VCF-style: chr1-154245848-TG-T.
Other names: p.Glu31Lysfs*54; c.91delG (NM_006118.3); c.54-107del (NM_001018837.2); short protein forms E31fs.
Identifiers: ClinVar variation 419887 (VCV000419887.37), dbSNP rs764082747, ClinGen allele CA1127246.
Genomic context (GRCh38, chr1:154,273,372, plus strand): 5'-TGGCCAATCTGCCTCCACTCTCAGCCACAGAGATCCCTTTTTTGGAGGGATGACTCGAGA[TG>T]AAGATGATGATGAGGAAGAAGAAGAAGAAGGGGGCTCATGGGGCCGTGGGAACCCAAGGT-3'